The following is an entry in ClinVar:

ClinVar aggregate classification (germline): Likely benign (0 of 4 stars; one submission).

Conditions:
NCOA1-related disorder. Also called: NCOA1-related condition.

gnomAD v4.1: 29 of 1,589,502 alleles (0.0018%); highest among the groups gnomAD compares: Non-Finnish European, 0.0025%; no homozygotes.

Submission:

PreventionGenetics, part of Exact Sciences
Classification: Likely benign for NCOA1-related condition. Last evaluated: 2024-07-08. Review status: no assertion criteria provided. Collection method: clinical testing. Allele origin: germline.
Comment: This variant is classified as likely benign based on ACMG/AMP sequence variant interpretation guidelines (Richards et al. 2015 PMID: 25741868, with internal and published modifications).

NM_003743.5(NCOA1):c.297C>T (p.Ile99=)

Gene: NCOA1 (nuclear receptor coactivator 1; plus strand). Cytogenetic location: 2p23.3.
Variant type: single nucleotide variant.
Coding change: c.297C>T on transcript NM_003743.5 (MANE Select); coding-DNA position 297, C replaced by T.
Protein change: p.Ile99=; no amino-acid change (isoleucine 99 retained).
Molecular consequence: synonymous variant.
Genome position (GRCh38, 1-based): chr2:24,673,406, C>T. VCF-style: chr2-24673406-C-T. GRCh37 (hg19) VCF-style: chr2-24896275-C-T.
Other names: c.297C>T, p.Ile99= (NM_001362950.1, NM_001362952.1, NM_001362954.1 and 3 more transcripts).
Identifiers: ClinVar variation 3351387 (VCV003351387.1).